The following is an entry in ClinVar:

ClinVar aggregate classification (germline): Likely benign. Review status: criteria provided, multiple submitters, no conflicts (2 of 4 stars). 2 submissions from 2 submitters: Likely benign (2). Last evaluated 2026-01-12.

Allele frequency attached by ClinVar (database versions not stated): TOPMed 0.00010; ESP Exome Variant Server 0.00015.
gnomAD v4.1: 191 of 1,613,264 alleles (0.012%); highest among the groups gnomAD compares: Admixed American, 0.022%; no homozygotes.

Submissions (2):

Labcorp Genetics (formerly Invitae), Labcorp
Classification: Likely benign. Last evaluated: 2026-01-12. Review status: criteria provided, single submitter. Criteria: Invitae Variant Classification Sherloc (09022015). Collection method: clinical testing. Allele origin: germline.

CeGaT Center for Human Genetics Tuebingen
Classification: Likely benign. Last evaluated: 2025-12-01. Review status: criteria provided, single submitter. Criteria: CeGaT Center For Human Genetics Tuebingen Variant Classification Criteria Version 2. Collection method: clinical testing. Allele origin: germline. Affected: yes. Observed: 1 variant allele.
Comment: LONP1: BP4, BP7

NM_004793.4(LONP1):c.2247C>G (p.Pro749=)

Gene: LONP1 (lon peptidase 1, mitochondrial; minus strand). Cytogenetic location: 19p13.3.
Variant type: single nucleotide variant.
Coding change: c.2247C>G on transcript NM_004793.4 (MANE Select); coding-DNA position 2247, C replaced by G.
Protein change: p.Pro749=; no amino-acid change (proline 749 retained).
Molecular consequence: synonymous variant. On other transcripts: non-coding transcript variant (1).
Genome position (GRCh38, 1-based): chr19:5,694,460, G>C on the plus strand (C>G on the coding strand, the complement: LONP1 is on the minus strand). VCF-style: chr19-5694460-G-C. GRCh37 (hg19) VCF-style: chr19-5694471-G-C.
Other names: c.2055C>G, p.Pro685= (NM_001276479.2); c.1659C>G, p.Pro553= (NM_001276480.1).
Identifiers: ClinVar variation 737536 (VCV000737536.13), dbSNP rs150624477, ClinGen allele CA9114206.
Genomic context (GRCh38, chr19:5,694,460, plus strand): 5'-GGCCAGCCCCATGACCACGCCGGGCGGTGTCACGTCATACATGCGCTCCACGGTGAACAC[G>C]GGCTTCCCCACGAAGTCCTGCAGGTTCTCGGGCGTCACCTCCACGGACTCGGCCTCGCCG-3'
Protein context (NP_004784.2, residues 739-759): PENLQDFVGK[Pro749=]VFTVERMYDV